The following is an entry in ClinVar:

NM_000138.5(FBN1):c.4211-160T>G

Genes: FBN1 (fibrillin 1; minus strand), LOC126862124 (CDK7 strongly-dependent group 2 enhancer GRCh37_chr15:48764566-48765765; plus strand). Cytogenetic location: 15q21.1.
Variant type: single nucleotide variant.
Coding change: c.4211-160T>G on transcript NM_000138.5 (MANE Select); 160 bases into the intron before coding-DNA position 4211, T replaced by G.
Molecular consequence: intron variant.
Genome position (GRCh38, 1-based): chr15:48,472,836, A>C on the plus strand (T>G on the coding strand, the complement: FBN1 is on the minus strand). VCF-style: chr15-48472836-A-C. GRCh37 (hg19) VCF-style: chr15-48765033-A-C.
Identifiers: ClinVar variation 672313 (VCV000672313.2), dbSNP rs28730794, ClinGen allele CA14131406.

ClinVar aggregate classification (germline): Benign. Review status: criteria provided, multiple submitters, no conflicts (2 of 4 stars). 2 submissions from 2 submitters: Benign (2). Last evaluated 2018-06-16.

Allele frequency attached by ClinVar (database versions not stated): gnomAD 0.46127 and 0.46574; TOPMed 0.47788; 1000 Genomes Project 0.56090; 1000 Genomes Project 30x 0.56730.
gnomAD v4.1: 70,067 of 151,904 alleles (46%); highest among the groups gnomAD compares: African/African-American, 78%; 19,401 homozygotes.

Submissions (2):

GeneDx
Classification: Benign. Last evaluated: 2018-06-16. Review status: criteria provided, single submitter. Criteria: GeneDx Variant Classification (06012015). Collection method: clinical testing. Allele origin: germline. Affected: yes.
Comment: This variant is considered likely benign or benign based on one or more of the following criteria: it is a conservative change, it occurs at a poorly conserved position in the protein, it is predicted to be benign by multiple in silico algorithms, and/or has population frequency not consistent with disease.

Breakthrough Genomics
Classification: Benign. Review status: criteria provided, single submitter. Criteria: ACMG Guidelines, 2015. Collection method: not provided. Allele origin: germline. Inheritance: Autosomal dominant inheritance. Affected: yes.